The following is an entry in ClinVar:

ClinVar aggregate classification (germline): Likely benign. Review status: criteria provided, multiple submitters, no conflicts (2 of 4 stars). 2 submissions from 2 submitters: Likely benign (2). Last evaluated 2025-07-09.

Conditions:
Ullrich congenital muscular dystrophy 2 (UCMD2). Identifiers: Orphanet 75840, MedGen C4225314, MONDO:0014654, OMIM 616470.
Bethlem myopathy 2 (BTHLM2). Identifiers: Orphanet 536516, Orphanet 610, MedGen C4225313, MONDO:0034022, OMIM 616471.

Allele frequency attached by ClinVar (database versions not stated): ExAC 0.00001; gnomAD 0.00001; TOPMed 0.00001.
gnomAD v4.1: 19 of 1,613,966 alleles (0.0012%); highest among the groups gnomAD compares: Non-Finnish European, 0.0014%; no homozygotes.

Submissions (2):

Labcorp Genetics (formerly Invitae), Labcorp
Classification: Likely benign for Bethlem myopathy 2; Ullrich congenital muscular dystrophy 2. Last evaluated: 2025-07-09. Review status: criteria provided, single submitter. Criteria: Invitae Variant Classification Sherloc (09022015). Collection method: clinical testing. Allele origin: germline.

Mayo Clinic Laboratories, Mayo Clinic
Classification: Likely benign. Last evaluated: 2025-03-26. Review status: criteria provided, single submitter. Criteria: ACMG Guidelines, 2015. Collection method: clinical testing. Allele origin: germline. Observed: 1 variant allele.
Comment: BP4, BP7

NM_004370.6(COL12A1):c.6003C>T (p.Ser2001=)

Gene: COL12A1 (collagen type XII alpha 1 chain; minus strand). Cytogenetic location: 6q13.
Variant type: single nucleotide variant.
Coding change: c.6003C>T on transcript NM_004370.6 (MANE Select); coding-DNA position 6003, C replaced by T.
Protein change: p.Ser2001=; no amino-acid change (serine 2001 retained).
Molecular consequence: synonymous variant.
Genome position (GRCh38, 1-based): chr6:75,130,916, G>A on the plus strand (C>T on the coding strand, the complement: COL12A1 is on the minus strand). VCF-style: chr6-75130916-G-A. GRCh37 (hg19) VCF-style: chr6-75840632-G-A.
Other names: p.Ser2001=; c.2511C>T, p.Ser837= (NM_080645.3).
Identifiers: ClinVar variation 711362 (VCV000711362.10), dbSNP rs762626921, ClinGen allele CA3892931.